The following is an entry in ClinVar:

NM_152393.4(KLHL40):c.270C>G (p.Tyr90Ter)

Gene: KLHL40 (kelch like family member 40; plus strand). Cytogenetic location: 3p22.1.
Variant type: single nucleotide variant.
Coding change: c.270C>G on transcript NM_152393.4 (MANE Select); coding-DNA position 270, C replaced by G.
Protein change: p.Tyr90Ter; replaces tyrosine 90 with a stop codon.
Molecular consequence: nonsense.
Genome position (GRCh38, 1-based): chr3:42,685,888, C>G. VCF-style: chr3-42685888-C-G. GRCh37 (hg19) VCF-style: chr3-42727380-C-G.
Other names: short protein forms Y90*.
Identifiers: ClinVar variation 2576958 (VCV002576958.2), dbSNP rs1277851312, ClinGen allele CA352289026.

ClinVar aggregate classification (germline): Pathogenic (0 of 4 stars; one submission).

Conditions:
Nemaline myopathy 8 (NEM8). Also called: Nemaline myopathy 8, autosomal recessive. Identifiers: Orphanet 171430, MedGen C3809209, MONDO:0014138, OMIM 615348.

Submission:

Istanbul Faculty of Medicine, Istanbul University
Classification: Pathogenic for Nemaline myopathy 8. Last evaluated: 2022-01-10. Review status: no assertion criteria provided. Collection method: clinical testing. Allele origin: germline. Affected: yes. Observed: 1 variant allele.
Comment: Lethal phenotype